The following is an entry in ClinVar:

NM_004586.3(RPS6KA3):c.407-6A>G

Gene: RPS6KA3 (ribosomal protein S6 kinase A3; minus strand). Cytogenetic location: Xp22.12.
Variant type: single nucleotide variant.
Coding change: c.407-6A>G on transcript NM_004586.3 (MANE Select); 6 bases into the intron before coding-DNA position 407, A replaced by G.
Molecular consequence: intron variant.
Genome position (GRCh38, 1-based): chrX:20,194,274, T>C on the plus strand (A>G on the coding strand, the complement: RPS6KA3 is on the minus strand). VCF-style: chrX-20194274-T-C. GRCh37 (hg19) VCF-style: chrX-20212392-T-C.
Other names: c.407-6A>G (NM_004586.2).
Identifiers: ClinVar variation 3251360 (VCV003251360.2), dbSNP rs775095898.

ClinVar aggregate classification (germline): Conflicting classifications of pathogenicity. Review status: criteria provided, conflicting classifications (1 of 4 stars). 2 submissions from 2 submitters: Uncertain significance (1); Likely benign (1). Last evaluated 2026-06-22.

Conditions:
RPS6KA3-related disorder. Also called: RPS6KA3-related condition.

Allele frequency attached by ClinVar (database versions not stated): gnomAD exomes 0.00001; ExAC 0.00002.
gnomAD v4.1: 9 of 1,133,620 alleles (0.00079%); highest among the groups gnomAD compares: Non-Finnish European, 0.00097%; no homozygotes.

Submissions (2):

PreventionGenetics, part of Exact Sciences
Classification: Likely benign for RPS6KA3-related condition. Last evaluated: 2026-06-22. Review status: criteria provided, single submitter. Criteria: ACMG Guidelines, 2015. Collection method: clinical testing. Allele origin: germline.
Comment: This variant is classified as likely benign based on ACMG/AMP sequence variant interpretation guidelines (Richards et al. 2015 PMID: 25741868, with internal and published modifications).

Women's Health and Genetics/Laboratory Corporation of America, LabCorp
Classification: Uncertain significance. Last evaluated: 2024-04-10. Review status: criteria provided, single submitter. Criteria: LabCorp Variant Classification Summary - May 2015. Collection method: clinical testing. Allele origin: germline.
Comment: Variant summary: RPS6KA3 c.407-6A>G alters a non-conserved nucleotide located close to a canonical splice site and therefore could affect mRNA splicing, leading to a significantly altered protein sequence. Consensus agreement among computation tools predict no significant impact on normal splicing. However, these predictions have yet to be confirmed by functional studies. The variant allele was found at a frequency of 1.7e-05 in 173520 control chromosomes. The available data on variant occurrences in the general population are insufficient to allow any conclusion about variant significance. To our knowledge, no occurrence of c.407-6A>G in individuals affected with Coffin-Lowry Syndrome and no experimental evidence demonstrating its impact on protein function have been reported. No submitters have cited clinical-significance assessments for this variant to ClinVar. Based on the evidence outlined above, the variant was classified as uncertain significance.